The following is an entry in ClinVar:

ClinVar aggregate classification (germline): Uncertain significance (1 of 4 stars; one submission).

Submission:

CeGaT Center for Human Genetics Tuebingen
Classification: Uncertain significance. Last evaluated: 2022-06-01. Review status: criteria provided, single submitter. Criteria: CeGaT Center For Human Genetics Tuebingen Variant Classification Criteria Version 2. Collection method: clinical testing. Allele origin: germline. Affected: yes. Observed: 1 variant allele.
Comment: G6PD: PM2, BP4

NM_001360016.2(G6PD):c.1287+3G>A

Gene: G6PD (glucose-6-phosphate dehydrogenase; minus strand). Cytogenetic location: Xq28.
Variant type: single nucleotide variant.
Coding change: c.1287+3G>A on transcript NM_001360016.2 (MANE Select); 3 bases into the intron after coding-DNA position 1287, G replaced by A.
Molecular consequence: intron variant.
Genome position (GRCh38, 1-based): chrX:154,532,564, C>T on the plus strand (G>A on the coding strand, the complement: G6PD is on the minus strand). VCF-style: chrX-154532564-C-T. GRCh37 (hg19) VCF-style: chrX-153760779-C-T.
Other names: c.1377+3G>A (NM_000402.4); c.1287+3G>A (NM_001042351.3).
Identifiers: ClinVar variation 2661852 (VCV002661852.24), dbSNP rs782786750, ClinGen allele CA2466723407.
Genomic context (GRCh38, chrX:154,532,564, plus strand): 5'-CCATGTGGAGTCCCCCGGGCCCAGGCCGCCCACCCTCCACACTGCTCCTTCTCTGTAGGG[C>T]ACCTTGTATCTGTTGCCGTAGGTCAGGTCCAGCTCCGACTCCTCGGGGTTGAAGAACATG-3'